The following is an entry in ClinVar:

NM_001009944.3(PKD1):c.10911G>A (p.Thr3637=)

Genes: PKD1 (polycystin 1, transient receptor potential channel interacting; minus strand), PKD1-AS1 (PKD1 antisense RNA 1; plus strand). Cytogenetic location: 16p13.3.
Variant type: single nucleotide variant.
Coding change: c.10911G>A on transcript NM_001009944.3 (MANE Select); coding-DNA position 10911, G replaced by A.
Protein change: p.Thr3637=; no amino-acid change (threonine 3637 retained).
Molecular consequence: synonymous variant.
Genome position (GRCh38, 1-based): chr16:2,093,649, C>T on the plus strand (G>A on the coding strand, the complement: PKD1 is on the minus strand). VCF-style: chr16-2093649-C-T. GRCh37 (hg19) VCF-style: chr16-2143650-C-T.
Other names: c.10908G>A, p.Thr3636= (NM_000296.4).
Identifiers: ClinVar variation 3896629 (VCV003896629.3).

ClinVar aggregate classification (germline): Likely benign. Review status: criteria provided, multiple submitters, no conflicts (2 of 4 stars). 2 submissions from 2 submitters: Likely benign (2). Last evaluated 2025-04-25.

Conditions:
PKD1-related disorder. Also called: PKD1-related condition.

gnomAD v4.1: 33 of 1,608,454 alleles (0.0021%); highest among the groups gnomAD compares: Admixed American, 0.0067%; no homozygotes.

Submissions (2):

Women's Health and Genetics/Laboratory Corporation of America, LabCorp
Classification: Likely benign. Last evaluated: 2025-04-25. Review status: criteria provided, single submitter. Criteria: LabCorp Variant Classification Summary - May 2015. Collection method: clinical testing. Allele origin: germline.

PreventionGenetics, part of Exact Sciences
Classification: Likely benign for PKD1-related condition. Last evaluated: 2025-04-07. Review status: criteria provided, single submitter. Criteria: ACMG Guidelines, 2015. Collection method: clinical testing. Allele origin: germline.
Comment: This variant is classified as likely benign based on ACMG/AMP sequence variant interpretation guidelines (Richards et al. 2015 PMID: 25741868, with internal and published modifications).